The following is an entry in ClinVar:

NM_001458.5(FLNC):c.5540-120T>C

Genes: FLNC (filamin C; plus strand), FLNC-AS1 (FLNC antisense RNA 1; minus strand). Cytogenetic location: 7q32.1.
Variant type: single nucleotide variant.
Coding change: c.5540-120T>C on transcript NM_001458.5 (MANE Select); 120 bases into the intron before coding-DNA position 5540, T replaced by C.
Molecular consequence: intron variant.
Genome position (GRCh38, 1-based): chr7:128,851,112, T>C. VCF-style: chr7-128851112-T-C. GRCh37 (hg19) VCF-style: chr7-128491166-T-C.
Other names: c.5441-120T>C (NM_001127487.2).
Identifiers: ClinVar variation 681834 (VCV000681834.2), dbSNP rs3816883, ClinGen allele CA12619180.
Genomic context (GRCh38, chr7:128,851,112, plus strand): 5'-AGACACCAGGCGAGGCCCCAGGGAGGCTTATACCCTGGTGGGAAGCAGACCTCCACCAGC[T>C]GGGTCCCTACGGCACAGACGGAGGGGGTTGGCAGGGAGGCTGCTGGAAGGTGCTGGGGCC-3'

ClinVar aggregate classification (germline): Benign. Review status: criteria provided, multiple submitters, no conflicts (2 of 4 stars). 2 submissions from 2 submitters: Benign (2). Last evaluated 2018-06-18.

Allele frequency attached by ClinVar (database versions not stated): gnomAD exomes 0.06792; gnomAD 0.15801 and 0.15899; TOPMed 0.17464; 1000 Genomes Project 0.25919; 1000 Genomes Project 30x 0.25999.

Submissions (2):

GeneDx
Classification: Benign. Last evaluated: 2018-06-18. Review status: criteria provided, single submitter. Criteria: GeneDx Variant Classification (06012015). Collection method: clinical testing. Allele origin: germline. Affected: yes.
Comment: This variant is considered likely benign or benign based on one or more of the following criteria: it is a conservative change, it occurs at a poorly conserved position in the protein, it is predicted to be benign by multiple in silico algorithms, and/or has population frequency not consistent with disease.

Breakthrough Genomics
Classification: Benign. Review status: criteria provided, single submitter. Criteria: ACMG Guidelines, 2015. Collection method: not provided. Allele origin: germline. Inheritance: Autosomal dominant inheritance. Affected: yes.